The following is an entry in ClinVar:

ClinVar aggregate classification (germline): Likely benign (0 of 4 stars; one submission).

Conditions:
LAMA5-related disorder. Also called: LAMA5-Related Disorders; LAMA5-related condition.

Allele frequency attached by ClinVar (database versions not stated): gnomAD 0.00001; gnomAD exomes 0.00001.
gnomAD v4.1: 11 of 1,545,852 alleles (0.00071%); highest among the groups gnomAD compares: South Asian, 0.0095%; no homozygotes.

Submission:

PreventionGenetics, part of Exact Sciences
Classification: Likely benign for LAMA5-related condition. Last evaluated: 2020-02-25. Review status: no assertion criteria provided. Collection method: clinical testing. Allele origin: germline.
Comment: This variant is classified as likely benign based on ACMG/AMP sequence variant interpretation guidelines (Richards et al. 2015 PMID: 25741868, with internal and published modifications).

NM_005560.6(LAMA5):c.6043C>T (p.Leu2015=)

Gene: LAMA5 (laminin subunit alpha 5; minus strand). Cytogenetic location: 20q13.33.
Variant type: single nucleotide variant.
Coding change: c.6043C>T on transcript NM_005560.6 (MANE Select); coding-DNA position 6043, C replaced by T.
Protein change: p.Leu2015=; no amino-acid change (leucine 2015 retained).
Molecular consequence: synonymous variant.
Genome position (GRCh38, 1-based): chr20:62,323,477, G>A on the plus strand (C>T on the coding strand, the complement: LAMA5 is on the minus strand). VCF-style: chr20-62323477-G-A. GRCh37 (hg19) VCF-style: chr20-60898533-G-A.
Identifiers: ClinVar variation 3051501 (VCV003051501.2), dbSNP rs1488876019, ClinGen allele CA511326320.